The following is an entry in ClinVar:

ClinVar aggregate classification (germline): Pathogenic. Review status: criteria provided, multiple submitters, no conflicts (2 of 4 stars). 2 submissions from 2 submitters: Pathogenic (2). Last evaluated 2025-10-03.

Conditions:
Tuberous sclerosis 1 (TSC1). Identifiers: Orphanet 805, MedGen C1854465, MONDO:0008612, OMIM 191100.
Hereditary cancer-predisposing syndrome. Also called: Hereditary neoplastic syndrome; Tumor predisposition; Neoplastic Syndromes, Hereditary; Hereditary Cancer Syndrome. Identifiers: Orphanet 140162, MedGen C0027672, MeSH D009386, MONDO:0015356.

Submissions (2):

Labcorp Genetics (formerly Invitae), Labcorp
Classification: Pathogenic for Tuberous sclerosis 1. Last evaluated: 2025-10-03. Review status: criteria provided, single submitter. Criteria: Invitae Variant Classification Sherloc (09022015). Collection method: clinical testing. Allele origin: germline.
Comment: This sequence change creates a premature translational stop signal (p.Leu213Profs*5) in the TSC1 gene. It is expected to result in an absent or disrupted protein product. Loss-of-function variants in TSC1 are known to be pathogenic (PMID: 10227394, 17304050). This variant is not present in population databases (gnomAD no frequency). This variant has not been reported in the literature in individuals affected with TSC1-related conditions. ClinVar contains an entry for this variant (Variation ID: 428192). For these reasons, this variant has been classified as Pathogenic.

Ambry Genetics
Classification: Pathogenic for Hereditary cancer-predisposing syndrome. Last evaluated: 2016-10-25. Review status: criteria provided, single submitter. Criteria: Ambry Variant Classification Scheme 2023. Collection method: clinical testing. Allele origin: germline.
Comment: The c.637dupC pathogenic mutation, located in coding exon 5 of the TSC1 gene, results from a duplication of C at nucleotide position 637, causing a translational frameshift with a predicted alternate stop codon (p.L213Pfs*5). This alteration is expected to result in loss of function by premature protein truncation or nonsense-mediated mRNA decay. As such, this alteration is interpreted as a disease-causing mutation.

Literature cited by the submitters: PubMed 10227394 (cited by Labcorp Genetics (formerly Invitae), Labcorp); PubMed 17304050 (cited by Labcorp Genetics (formerly Invitae), Labcorp).

NM_000368.5(TSC1):c.637dup (p.Leu213fs)

Gene: TSC1 (TSC complex subunit 1; minus strand). Cytogenetic location: 9q34.13.
Variant type: Duplication.
Coding change: c.637dup on transcript NM_000368.5 (MANE Select); coding-DNA position 637, one base duplicated (C; older notation c.637dupC).
Protein change: p.Leu213fs; shifts the reading frame from leucine 213.
Molecular consequence: frameshift variant.
Genome position (GRCh38, 1-based): chr9:132,921,845, G duplicated on the plus strand (C on the coding strand, the reverse complement: TSC1 is on the minus strand); the first of 2 consecutive G bases (chr9:132,921,845-132,921,846); duplicating either gives the same sequence. VCF-style (leftmost placement, unchanged base first): chr9-132921844-A-AG. GRCh37 (hg19) VCF-style: chr9-135797231-A-AG.
Other names: c.637dupC (NM_000368.4); c.637dup, p.Leu213fs (NM_001162426.2); c.484dup, p.Leu162fs (NM_001162427.2); c.274dup, p.Leu92fs (NM_001362177.2); short protein forms L213fs, L92fs, L162fs.
Identifiers: ClinVar variation 428192 (VCV000428192.6), dbSNP rs1114167620, ClinGen allele CA645369461.
Genomic context (GRCh38, chr9:132,921,844, plus strand): 5'-ACTAAGTAGCAAACAAACAAGCAGTTTCAATTTACCTTGACCACTTCTTCAAAAGTCTCC[A>AG]GGTTTTCTTTCATACTGTAATGAGAACGCAAAAAGGAGACGAAGTTGCAAGGGTACATTC-3'